The following is an entry in ClinVar:

ClinVar aggregate classification (germline): Benign. Review status: reviewed by expert panel (3 of 4 stars). 34 submissions from 33 submitters: Benign (1). 33 of the submissions do not count toward it. Last evaluated 2015-08-10.

Conditions:
Inherited prostate cancer.
Pancreatic cancer, susceptibility to, 4. Identifiers: Orphanet 1333, MedGen C3280442, MONDO:0013685, OMIM 614320.
Familial cancer of breast. Also called: Hereditary breast cancer; hereditary breast carcinoma; BREAST CANCER, FAMILIAL. Identifiers: Orphanet 227535, MedGen C0346153, MONDO:0016419, OMIM 114480. Disease mechanism: loss of function.
Breast-ovarian cancer, familial, susceptibility to, 1 (BROVCA1). Also called: BRCA1 Hereditary Breast and Ovarian Cancer; OVARIAN CANCER, SUSCEPTIBILITY TO. Identifiers: Orphanet 145, MedGen C2676676, MONDO:0011450, OMIM 604370. Disease mechanism: loss of function.
Fanconi anemia, complementation group S (FANCS). Identifiers: MedGen C4554406, MONDO:0054748, OMIM 617883.
Inherited breast cancer and ovarian cancer.
BRCA1-related cancer predisposition. Identifiers: MedGen CN377757, MONDO:0700268.
Breast and/or ovarian cancer. Identifiers: MedGen CN221562.
Hereditary cancer-predisposing syndrome. Also called: Neoplastic Syndromes, Hereditary; Hereditary neoplastic syndrome; Hereditary Cancer Syndrome; Tumor predisposition. Identifiers: Orphanet 140162, MedGen C0027672, MeSH D009386, MONDO:0015356.
Hereditary breast ovarian cancer syndrome. Also called: Hereditary breast and ovarian cancer syndrome (HBOC); Breast and ovarian cancer; BRCA1- and BRCA2-Associated Hereditary Breast and Ovarian Cancer; Hereditary breast and ovarian cancer syndrome; Hereditary breast and ovarian cancer; Hereditary breast and/or ovarian cancer syndrome. Identifiers: Orphanet 145, MedGen C0677776, MeSH D061325, MONDO:0003582. Disease mechanism: loss of function.

Allele frequency attached by ClinVar (database versions not stated): gnomAD 0.00065 and 0.00066; gnomAD exomes 0.00102 and 0.00055; 1000 Genomes Project 0.00060; TOPMed 0.00096; ESP Exome Variant Server 0.00046; ExAC 0.00086; 1000 Genomes Project 30x 0.00062.

Submissions 1 to 18 of 34:

Evidence-based Network for the Interpretation of Germline Mutant Alleles (ENIGMA)
Classification: Benign for Breast-ovarian cancer, familial 1. Last evaluated: 2015-08-10. Review status: reviewed by expert panel. Criteria: ENIGMA BRCA1/2 Classification Criteria (2015). Collection method: curation. Allele origin: germline.
Comment: IARC class based on posterior probability from multifactorial likelihood analysis, thresholds for class as per Plon et al. 2008 (PMID: 18951446). Class 1 based on posterior probability = 0.0000000196

CeGaT Center for Human Genetics Tuebingen
Classification: Benign. Last evaluated: 2026-09-01. Review status: criteria provided, single submitter. Criteria: CeGaT Center For Human Genetics Tuebingen Variant Classification Criteria Version 2. Collection method: clinical testing. Allele origin: germline. Affected: yes. Observed: 38 variant alleles. Not counted in ClinVar's aggregate classification.
Comment: BRCA1: BP4, BS1, BS2

Cambridge Genomics Laboratory, East Genomic Laboratory Hub, NHS Genomic Medicine Service
Classification: Benign for Inherited breast cancer and ovarian cancer. Last evaluated: 2026-06-23. Review status: criteria provided, single submitter. Criteria: ACGS Best Practice Guidelines for Variant Classification in Rare Disease 2020. Collection method: clinical testing. Allele origin: germline. Affected: yes. Not counted in ClinVar's aggregate classification.
Comment: BS1_Strong,BP1_Strong,BP5_Very Strong

Cambridge Genomics Laboratory, East Genomic Laboratory Hub, NHS Genomic Medicine Service
Classification: Benign for Inherited prostate cancer. Last evaluated: 2026-05-11. Review status: criteria provided, single submitter. Criteria: ACGS Best Practice Guidelines for Variant Classification in Rare Disease 2020. Collection method: clinical testing. Allele origin: germline. Affected: yes. Not counted in ClinVar's aggregate classification.
Comment: BS3_Strong,BS1_Strong,BP5_Very Strong

Labcorp Genetics (formerly Invitae), Labcorp
Classification: Benign for Hereditary breast ovarian cancer syndrome. Last evaluated: 2026-02-03. Review status: criteria provided, single submitter. Criteria: Invitae Variant Classification Sherloc (09022015). Collection method: clinical testing. Allele origin: germline. Not counted in ClinVar's aggregate classification.

ARUP Laboratories, Molecular Genetics and Genomics, ARUP Laboratories
Classification: Benign. Last evaluated: 2025-06-30. Review status: criteria provided, single submitter. Criteria: ARUP Molecular Germline Variant Investigation Process 2024. Collection method: clinical testing. Allele origin: germline. Not counted in ClinVar's aggregate classification.

Center for Genomic Medicine, Rigshospitalet, Copenhagen University Hospital
Classification: Benign. Last evaluated: 2025-03-04. Review status: criteria provided, single submitter. Criteria: ACMG Guidelines, 2015. Collection method: clinical testing. Allele origin: germline. Not counted in ClinVar's aggregate classification.

Blueprint Genetics
Classification: Likely benign. Last evaluated: 2024-11-25. Review status: criteria provided, single submitter. Criteria: ACMG Guidelines, 2015. Collection method: clinical testing. Allele origin: germline. Not counted in ClinVar's aggregate classification.

All of Us Research Program, National Institutes of Health
Classification: Likely benign for BRCA1-related cancer predisposition. Last evaluated: 2024-09-23. Review status: criteria provided, single submitter. Criteria: ACMG Guidelines, 2015. Collection method: clinical testing. Allele origin: germline. Inheritance: Autosomal dominant inheritance. Observed: 297 variant alleles, 297 heterozygotes. Not counted in ClinVar's aggregate classification.
Comment: This study involves interpretation of variants in research participants for the purpose of population health screening. Participant phenotype was not available at the time of variant classification. Additional details can be found in publication PMID: 35346344, PMCID: PMC8962531

Mayo Clinic Laboratories, Mayo Clinic
Classification: Benign. Last evaluated: 2024-05-01. Review status: criteria provided, single submitter. Criteria: ACMG Guidelines, 2015. Collection method: clinical testing. Allele origin: germline. Observed: 4 variant alleles. Not counted in ClinVar's aggregate classification.
Comment: BA1, BS3, BP1_strong, BP5_strong

KCCC/NGS Laboratory, Kuwait Cancer Control Center
Classification: Benign for Breast-ovarian cancer, familial, susceptibility to, 1. Last evaluated: 2023-07-07. Review status: criteria provided, single submitter. Criteria: ACMG Guidelines, 2015. Collection method: clinical testing. Allele origin: germline. Affected: yes. Not counted in ClinVar's aggregate classification.

CHEO Genetics Diagnostic Laboratory, Children's Hospital of Eastern Ontario
Classification: Benign for Breast and/or ovarian cancer. Last evaluated: 2023-05-05. Review status: criteria provided, single submitter. Criteria: ACMG Guidelines, 2015. Collection method: clinical testing. Allele origin: germline. Study: The Canadian Open Genetics Repository (COGR). Not counted in ClinVar's aggregate classification.

National Health Laboratory Service, Universitas Academic Hospital and University of the Free State
Classification: Benign for Hereditary breast ovarian cancer syndrome. Last evaluated: 2021-11-16. Review status: criteria provided, single submitter. Criteria: ACMG Guidelines, 2015. Collection method: clinical testing. Allele origin: germline. Affected: yes. Observed: 1 variant allele. Not counted in ClinVar's aggregate classification.

Fulgent Genetics
Classification: Likely benign for Familial cancer of breast; Breast-ovarian cancer, familial, susceptibility to, 1; Pancreatic cancer, susceptibility to, 4; Fanconi anemia, complementation group S. Last evaluated: 2021-09-02. Review status: criteria provided, single submitter. Criteria: ACMG Guidelines, 2015. Collection method: clinical testing. Allele origin: unknown. Not counted in ClinVar's aggregate classification.

Sema4
Classification: Benign for Hereditary cancer-predisposing syndrome. Last evaluated: 2020-02-24. Review status: criteria provided, single submitter. Criteria: Sema4 Curation Guidelines. Collection method: curation. Allele origin: germline. Not counted in ClinVar's aggregate classification.

Illumina Laboratory Services, Illumina
Classification: Likely benign for Breast-ovarian cancer, familial, susceptibility to, 1. Last evaluated: 2019-08-14. Review status: criteria provided, single submitter. Criteria: ICSL Variant Classification Criteria 13 December 2019. Collection method: clinical testing. Allele origin: germline. Not counted in ClinVar's aggregate classification.
Comment: This variant was observed as part of a predisposition screen in an ostensibly healthy population. A literature search was performed for the gene, cDNA change, and amino acid change (where applicable). Publications were found based on this search. The evidence from the literature, in combination with allele frequency data from public databases where available, was sufficient to determine this variant is unlikely to cause disease. Therefore, this variant is classified as likely benign.

Mendelics
Classification: Likely benign for Breast-ovarian cancer, familial, susceptibility to, 1. Last evaluated: 2019-05-28. Review status: criteria provided, single submitter. Criteria: Mendelics Assertion Criteria 2017. Collection method: clinical testing. Allele origin: unknown. Not counted in ClinVar's aggregate classification.

Genetic Services Laboratory, University of Chicago
Classification: Benign. Last evaluated: 2018-06-22. Review status: criteria provided, single submitter. Criteria: ACMG Guidelines, 2015. Collection method: clinical testing. Allele origin: germline. Affected: no. Not counted in ClinVar's aggregate classification.

NM_007294.4(BRCA1):c.3024G>A (p.Met1008Ile)

Gene: BRCA1 (BRCA1 DNA repair associated; minus strand). Cytogenetic location: 17q21.31.
Variant type: single nucleotide variant.
Coding change: c.3024G>A on transcript NM_007294.4 (MANE Select); coding-DNA position 3024, G replaced by A.
Protein change: p.Met1008Ile; replaces methionine 1008 with isoleucine.
Molecular consequence: missense variant. On other transcripts: intron variant (137).
Genome position (GRCh38, 1-based): chr17:43,092,507, C>T on the plus strand (G>A on the coding strand, the complement: BRCA1 is on the minus strand). VCF-style: chr17-43092507-C-T. GRCh37 (hg19) VCF-style: chr17-41244524-C-T.
Other names: NP_009225.1:p.Met1008Ile; 3143G>A; c.2898G>A, p.Met966Ile (NM_001407670.1, NM_001407671.1, NM_001407672.1 and 11 more transcripts); c.2901G>A, p.Met967Ile (NM_001407674.1, NM_001407675.1, NM_001407676.1 and 19 more transcripts); c.2883G>A, p.Met961Ile (NM_001407692.1, NM_001407694.1, NM_001407695.1 and 29 more transcripts); c.2880G>A, p.Met960Ile (NM_001407740.1, NM_001407741.1, NM_001407742.1 and 20 more transcripts); c.3021G>A, p.Met1007Ile (NM_001407861.1, NM_001407587.1, NM_001407590.1 and 22 more transcripts); c.2823G>A, p.Met941Ile (NM_001407862.1); and 43 more; short protein forms M1008I, M961I, M881I, M938I, M940I, M960I, M982I, M712I.
Identifiers: ClinVar variation 41814 (VCV000041814.100), dbSNP rs1800704, ClinGen allele CA001988.
Genomic context (GRCh38, chr17:43,092,507, plus strand): 5'-ACGGCTAATTGTGCTCACTGTACTTGGAATGTTCTCATTTCCCATTTCTCTTTCAGGTGA[C>T]ATTGAATGTTCCTCAAAGTTTTCCTCTAGCAGATTTTTCTTACATTTAGTTTTAACAAAT-3'
Protein context (NP_009225.1, residues 998-1018): LLEENFEEHS[Met1008Ile]SPEREMGNEN